The following is an entry in ClinVar:

ClinVar aggregate classification (germline): Uncertain significance (1 of 4 stars; one submission).

Conditions:
Hypertrophic cardiomyopathy 26. Also called: Cardiomyopathy, familial hypertrophic, 26. Identifiers: Orphanet 75249, MedGen C4310749, MONDO:0014883, OMIM 617047.
Myofibrillar myopathy 5. Also called: Filaminopathy (type); FILAMINOPATHY, AUTOSOMAL DOMINANT. Identifiers: Orphanet 171445, MedGen C1836050, MONDO:0012289, OMIM 609524.
Distal myopathy with posterior leg and anterior hand involvement. Also called: WILLIAMS DISTAL MYOPATHY. Identifiers: Orphanet 63273, MedGen C3279722, MONDO:0013550, OMIM 614065.

gnomAD v4.1: 1 of 1,614,000 alleles (0.000062%); highest among the groups gnomAD compares: South Asian, 0.0011%; no homozygotes.

Submission:

Labcorp Genetics (formerly Invitae), Labcorp
Classification: Uncertain significance for Distal myopathy with posterior leg and anterior hand involvement; Myofibrillar myopathy 5; Hypertrophic cardiomyopathy 26. Last evaluated: 2024-10-01. Review status: criteria provided, single submitter. Criteria: Invitae Variant Classification Sherloc (09022015). Collection method: clinical testing. Allele origin: germline.
Comment: This sequence change replaces tyrosine, which is neutral and polar, with cysteine, which is neutral and slightly polar, at codon 1303 of the FLNC protein (p.Tyr1303Cys). This variant is not present in population databases (gnomAD no frequency). This variant has not been reported in the literature in individuals affected with FLNC-related conditions. Invitae Evidence Modeling of protein sequence and biophysical properties (such as structural, functional, and spatial information, amino acid conservation, physicochemical variation, residue mobility, and thermodynamic stability) has been performed for this missense variant. However, the output from this modeling did not meet the statistical confidence thresholds required to predict the impact of this variant on FLNC protein function. In summary, the available evidence is currently insufficient to determine the role of this variant in disease. Therefore, it has been classified as a Variant of Uncertain Significance.

NM_001458.5(FLNC):c.3908A>G (p.Tyr1303Cys)

Gene: FLNC (filamin C; plus strand). Cytogenetic location: 7q32.1.
Variant type: single nucleotide variant.
Coding change: c.3908A>G on transcript NM_001458.5 (MANE Select); coding-DNA position 3908, A replaced by G.
Protein change: p.Tyr1303Cys; replaces tyrosine 1303 with cysteine.
Molecular consequence: missense variant.
Genome position (GRCh38, 1-based): chr7:128,846,107, A>G. VCF-style: chr7-128846107-A-G. GRCh37 (hg19) VCF-style: chr7-128486161-A-G.
Other names: c.3908A>G, p.Tyr1303Cys (NM_001127487.2); short protein forms Y1303C.
Identifiers: ClinVar variation 3763966 (VCV003763966.2).